The following is an entry in ClinVar:

NM_017514.5(PLXNA3):c.4743T>A (p.Ser1581=)

Gene: PLXNA3 (plexin A3; plus strand). Cytogenetic location: Xq28.
Variant type: single nucleotide variant.
Coding change: c.4743T>A on transcript NM_017514.5 (MANE Select); coding-DNA position 4743, T replaced by A.
Protein change: p.Ser1581=; no amino-acid change (serine 1581 retained).
Molecular consequence: synonymous variant.
Genome position (GRCh38, 1-based): chrX:154,469,732, T>A. VCF-style: chrX-154469732-T-A. GRCh37 (hg19) VCF-style: chrX-153698075-T-A.
Identifiers: ClinVar variation 4978253 (VCV004978253.1).

ClinVar aggregate classification (germline): Likely benign (1 of 4 stars; one submission).

Conditions:
PLXNA3-related disorder. Also called: PLXNA3-related condition.

Submission:

PreventionGenetics, part of Exact Sciences
Classification: Likely benign for PLXNA3-related condition. Last evaluated: 2026-02-17. Review status: criteria provided, single submitter. Criteria: ACMG Guidelines, 2015. Collection method: clinical testing. Allele origin: germline.
Comment: This variant is classified as likely benign based on ACMG/AMP sequence variant interpretation guidelines (Richards et al. 2015 PMID: 25741868, with internal and published modifications).